The following is an entry in ClinVar:

ClinVar aggregate classification (germline): Uncertain significance. Review status: criteria provided, multiple submitters, no conflicts (2 of 4 stars). 2 submissions from 2 submitters: Uncertain significance (2). Last evaluated 2024-10-19.

Conditions:
Inborn genetic diseases. Identifiers: MedGen C0950123, MeSH D030342.

gnomAD v4.1: 8 of 1,611,200 alleles (0.0005%); highest among the groups gnomAD compares: Non-Finnish European, 0.00068%; no homozygotes.

Submissions (2):

Ambry Genetics
Classification: Uncertain significance for Inborn genetic diseases. Last evaluated: 2024-10-19. Review status: criteria provided, single submitter. Criteria: Ambry Variant Classification Scheme 2023. Collection method: clinical testing. Allele origin: germline.
Comment: The p.L590I variant (also known as c.1768T>A), located in coding exon 8 of the ATR gene, results from a T to A substitution at nucleotide position 1768. The leucine at codon 590 is replaced by isoleucine, an amino acid with highly similar properties. This amino acid position is conserved. In addition, this alteration is predicted to be tolerated by in silico analysis. Since supporting evidence is limited at this time, the clinical significance of this alteration remains unclear.

Labcorp Genetics (formerly Invitae), Labcorp
Classification: Uncertain significance. Last evaluated: 2022-03-25. Review status: criteria provided, single submitter. Criteria: Invitae Variant Classification Sherloc (09022015). Collection method: clinical testing. Allele origin: germline.
Comment: In summary, the available evidence is currently insufficient to determine the role of this variant in disease. Therefore, it has been classified as a Variant of Uncertain Significance. Algorithms developed to predict the effect of missense changes on protein structure and function output the following: SIFT: "Tolerated"; PolyPhen-2: "Benign"; Align-GVGD: "Class C0". The isoleucine amino acid residue is found in multiple mammalian species, which suggests that this missense change does not adversely affect protein function. This variant has not been reported in the literature in individuals affected with ATR-related conditions. This variant is not present in population databases (gnomAD no frequency). This sequence change replaces leucine, which is neutral and non-polar, with isoleucine, which is neutral and non-polar, at codon 590 of the ATR protein (p.Leu590Ile).

NM_001184.4(ATR):c.1768T>A (p.Leu590Ile)

Gene: ATR (ATR checkpoint kinase; minus strand). Cytogenetic location: 3q23.
Variant type: single nucleotide variant.
Coding change: c.1768T>A on transcript NM_001184.4 (MANE Select); coding-DNA position 1768, T replaced by A.
Protein change: p.Leu590Ile; replaces leucine 590 with isoleucine.
Molecular consequence: missense variant.
Genome position (GRCh38, 1-based): chr3:142,558,741, A>T on the plus strand (T>A on the coding strand, the complement: ATR is on the minus strand). VCF-style: chr3-142558741-A-T. GRCh37 (hg19) VCF-style: chr3-142277583-A-T.
Other names: c.1576T>A, p.Leu526Ile (NM_001354579.2); short protein forms L526I, L590I.
Identifiers: ClinVar variation 1779725 (VCV001779725.8), dbSNP rs2108477894, ClinGen allele CA354821348.